The following is an entry in ClinVar:

ClinVar aggregate classification (germline): Conflicting classifications of pathogenicity. Review status: criteria provided, conflicting classifications (1 of 4 stars). 6 submissions from 6 submitters: Uncertain significance (5); Likely benign (1). Last evaluated 2026-08-05.

Conditions:
Cardiovascular phenotype. Identifiers: MedGen CN230736.
Hypertrophic cardiomyopathy 14. Identifiers: MedGen C2750467, MONDO:0013197, OMIM 613251.
MYH6-related disorder. Also called: MYH6-Related Disorders; MYH6-related condition.

Allele frequency attached by ClinVar (database versions not stated): gnomAD 0.00005 and 0.00006; ExAC 0.00006; TOPMed 0.00006.
gnomAD v4.1: 40 of 1,614,054 alleles (0.0025%); highest among the groups gnomAD compares: African/African-American, 0.008%; no homozygotes.

Submissions (6):

PreventionGenetics, part of Exact Sciences
Classification: Uncertain significance for MYH6-related condition. Last evaluated: 2026-08-05. Review status: criteria provided, single submitter. Criteria: ACMG Guidelines, 2015. Collection method: clinical testing. Allele origin: germline.
Comment: The MYH6 c.5095C>T variant is predicted to result in the amino acid substitution p.Arg1699Trp. This variant has been reported in individuals with dilated cardiomyopathy, sudden unexplained death, or atrioventricular nodal reentry tachycardia (Table S2, Haskell et al. 2017. PubMed ID: 28611029; Table S3, Lin et al. 2017. PubMed ID: 29247119; described as p.Arg1739Trp in Table S2, Luo et al. 2020. PubMed ID: 32508047). This variant is reported in 0.012% of alleles in individuals of African descent in gnomAD. At this time, the clinical significance of this variant is uncertain due to the absence of conclusive functional and genetic evidence.

GeneDx
Classification: Uncertain significance. Last evaluated: 2026-01-26. Review status: criteria provided, single submitter. Criteria: GeneDx Variant Classification Process June 2021. Collection method: clinical testing. Allele origin: germline. Affected: yes.
Comment: In silico analysis supports that this missense variant has a deleterious effect on protein structure/function; This variant is associated with the following publications: (PMID: 28611029, 29247119, 32508047)

Labcorp Genetics (formerly Invitae), Labcorp
Classification: Uncertain significance for Hypertrophic cardiomyopathy 14. Last evaluated: 2026-01-12. Review status: criteria provided, single submitter. Criteria: Invitae Variant Classification Sherloc (09022015). Collection method: clinical testing. Allele origin: germline.
Comment: This sequence change replaces arginine, which is basic and polar, with tryptophan, which is neutral and slightly polar, at codon 1699 of the MYH6 protein (p.Arg1699Trp). This variant is present in population databases (rs766345714, gnomAD 0.01%). This missense change has been observed in individual(s) with dilated cardiomyopathy or atrioventricular nodal reentry tachycardia or sudden unexplained death (PMID: 28611029, 29247119, 32508047). This variant is also known as p.Arg1739Trp. ClinVar contains an entry for this variant (Variation ID: 938031). Invitae Evidence Modeling of protein sequence and biophysical properties (such as structural, functional, and spatial information, amino acid conservation, physicochemical variation, residue mobility, and thermodynamic stability) indicates that this missense variant is expected to disrupt MYH6 protein function with a positive predictive value of 80%. In summary, the available evidence is currently insufficient to determine the role of this variant in disease. Therefore, it has been classified as a Variant of Uncertain Significance.

Ambry Genetics
Classification: Uncertain significance for Cardiovascular phenotype. Last evaluated: 2024-10-08. Review status: criteria provided, single submitter. Criteria: Ambry Variant Classification Scheme 2023. Collection method: clinical testing. Allele origin: germline.
Comment: The p.R1699W variant (also known as c.5095C>T), located in coding exon 32 of the MYH6 gene, results from a C to T substitution at nucleotide position 5095. The arginine at codon 1699 is replaced by tryptophan, an amino acid with dissimilar properties. This variant was reported in an individual with dilated cardiomyopathy and in a sudden unexplained death case; however clinical details were not provided (Haskell GT et al. Circ Cardiovasc Genet, 2017 Jun;10; Lin Y et al. Circ Cardiovasc Genet, 2017 Dec;10). This amino acid position is well conserved in available vertebrate species. In addition, this alteration is predicted to be deleterious by in silico analysis. Based on the available evidence, the clinical significance of this variant remains unclear.

Blueprint Genetics
Classification: Likely benign. Last evaluated: 2023-01-10. Review status: criteria provided, single submitter. Criteria: ACMG Guidelines, 2015. Collection method: clinical testing. Allele origin: germline.

Clinical Genetics Laboratory, Skane University Hospital Lund
Classification: Uncertain significance. Last evaluated: 2022-05-27. Review status: criteria provided, single submitter. Criteria: ACMG Guidelines, 2015. Collection method: clinical testing. Allele origin: germline. Affected: yes.

Literature cited by the submitters: PubMed 28611029 (cited by Labcorp Genetics (formerly Invitae), Labcorp and Ambry Genetics); PubMed 29247119 (cited by Labcorp Genetics (formerly Invitae), Labcorp and Ambry Genetics); PubMed 32508047 (cited by Labcorp Genetics (formerly Invitae), Labcorp).

NM_002471.4(MYH6):c.5095C>T (p.Arg1699Trp)

Genes: MYH6 (myosin heavy chain 6; minus strand), LOC126861896 (BRD4-independent group 4 enhancer GRCh37_chr14:23854904-23856103; plus strand). Cytogenetic location: 14q11.2.
Variant type: single nucleotide variant.
Coding change: c.5095C>T on transcript NM_002471.4 (MANE Select); coding-DNA position 5095, C replaced by T.
Protein change: p.Arg1699Trp; replaces arginine 1699 with tryptophan.
Molecular consequence: missense variant.
Genome position (GRCh38, 1-based): chr14:23,385,996, G>A on the plus strand (C>T on the coding strand, the complement: MYH6 is on the minus strand). VCF-style: chr14-23385996-G-A. GRCh37 (hg19) VCF-style: chr14-23855205-G-A.
Other names: short protein forms R1699W.
Identifiers: ClinVar variation 938031 (VCV000938031.17), dbSNP rs766345714, ClinGen allele CA7114549.